The following is an entry in ClinVar:

ClinVar aggregate classification (germline): Uncertain significance. Review status: criteria provided, multiple submitters, no conflicts (2 of 4 stars). 2 submissions from 2 submitters: Uncertain significance (2). Last evaluated 2025-08-09.

Conditions:
Immunodeficiency, common variable, 7. Identifiers: Orphanet 1572, Orphanet 696894, MedGen C3542922, MONDO:0013862, OMIM 614699.
Inborn genetic diseases. Identifiers: MedGen C0950123, MeSH D030342.

Allele frequency attached by ClinVar (database versions not stated): gnomAD exomes below 0.00001 and 0.00001; ExAC 0.00001; gnomAD 0.00002; TOPMed 0.00001.
gnomAD v4.1: 6 of 1,613,874 alleles (0.00037%); highest among the groups gnomAD compares: Non-Finnish European, 0.00051%; no homozygotes.

Submissions (2):

Ambry Genetics
Classification: Uncertain significance for Inborn genetic diseases. Last evaluated: 2025-08-09. Review status: criteria provided, single submitter. Criteria: Ambry Variant Classification Scheme 2023. Collection method: clinical testing. Allele origin: germline.

Labcorp Genetics (formerly Invitae), Labcorp
Classification: Uncertain significance for Immunodeficiency, common variable, 7. Last evaluated: 2021-11-15. Review status: criteria provided, single submitter. Criteria: Invitae Variant Classification Sherloc (09022015). Collection method: clinical testing. Allele origin: germline.
Comment: This sequence change replaces glutamic acid, which is acidic and polar, with aspartic acid, which is acidic and polar, at codon 212 of the CR2 protein (p.Glu212Asp). This variant is present in population databases (rs760733654, gnomAD 0.0009%). This variant has not been reported in the literature in individuals affected with CR2-related conditions. Algorithms developed to predict the effect of missense changes on protein structure and function are either unavailable or do not agree on the potential impact of this missense change (SIFT: "Tolerated"; PolyPhen-2: "Probably Damaging"; Align-GVGD: "Class C0"). In summary, the available evidence is currently insufficient to determine the role of this variant in disease. Therefore, it has been classified as a Variant of Uncertain Significance.

NM_001006658.3(CR2):c.636G>C (p.Glu212Asp)

Gene: CR2 (complement C3d receptor 2; plus strand). Cytogenetic location: 1q32.2.
Variant type: single nucleotide variant.
Coding change: c.636G>C on transcript NM_001006658.3 (MANE Select); coding-DNA position 636, G replaced by C.
Protein change: p.Glu212Asp; replaces glutamic acid 212 with aspartic acid.
Molecular consequence: missense variant.
Genome position (GRCh38, 1-based): chr1:207,468,801, G>C. VCF-style: chr1-207468801-G-C. GRCh37 (hg19) VCF-style: chr1-207642146-G-C.
Other names: c.636G>C (NM_001006658.2); c.636G>C, p.Glu212Asp (NM_001877.5); short protein forms E212D.
Identifiers: ClinVar variation 1477109 (VCV001477109.4), dbSNP rs760733654, ClinGen allele CA1368497.
Genomic context (GRCh38, chr1:207,468,801, plus strand): 5'-AAGAATCTGGGCTGTTCTGTTATTTGCCATGCATTTCTCATCTTTGGTTTGTTTTTTAGA[G>C]GCACGCTGTAAATCTCTAGGACGATTTCCCAATGGGAAGGTAAAGGAGCCTCCAATTCTC-3'
Protein context (NP_001006659.1, residues 202-222): KWSAVPPTCE[Glu212Asp]ARCKSLGRFP